The following is an entry in ClinVar:

NM_015040.4(PIKFYVE):c.*2143G>C

Gene: PIKFYVE (phosphoinositide kinase, FYVE-type zinc finger containing; plus strand). Cytogenetic location: 2q34.
Variant type: single nucleotide variant.
Coding change: c.*2143G>C on transcript NM_015040.4 (MANE Select); 2143 bases downstream of the stop codon, G replaced by C.
Molecular consequence: 3 prime UTR variant.
Genome position (GRCh38, 1-based): chr2:208,357,448, G>C. VCF-style: chr2-208357448-G-C. GRCh37 (hg19) VCF-style: chr2-209222172-G-C.
Identifiers: ClinVar variation 333966 (VCV000333966.5), dbSNP rs184529823, ClinGen allele CA10612266.

ClinVar aggregate classification (germline): Benign (1 of 4 stars; one submission).

Conditions:
Fleck corneal dystrophy (CFD). Also called: CORNEAL DYSTROPHY, FRANCOIS-NEETENS SPECKLED OR FLECKED. Identifiers: Orphanet 98970, MedGen C1562113, MONDO:0007376, OMIM 121850.

Allele frequency attached by ClinVar (database versions not stated): gnomAD 0.00026 and 0.00041; TOPMed 0.00054; 1000 Genomes Project 0.00120; 1000 Genomes Project 30x 0.00156.

Submission:

Illumina Laboratory Services, Illumina
Classification: Benign for Fleck corneal dystrophy. Last evaluated: 2018-01-12. Review status: criteria provided, single submitter. Criteria: ICSL Variant Classification Criteria 13 December 2019. Collection method: clinical testing. Allele origin: germline.
Comment: This variant was observed in the ICSL laboratory as part of a predisposition screen in an ostensibly healthy population. It had not been previously curated by ICSL or reported in the Human Gene Mutation Database (HGMD: prior to June 1st, 2018), and was therefore a candidate for classification through an automated scoring system. Utilizing variant allele frequency, disease prevalence and penetrance estimates, and inheritance mode, an automated score was calculated to assess if this variant is too frequent to cause the disease. Based on the score and internal cut-off values, a variant classified as benign is not then subjected to further curation. The score for this variant resulted in a classification of benign for this disease.